The following is an entry in ClinVar:

NM_000661.5(RPL9):c.23A>G (p.Gln8Arg)

Gene: RPL9 (ribosomal protein L9; minus strand). Cytogenetic location: 4p14.
Variant type: single nucleotide variant.
Coding change: c.23A>G on transcript NM_000661.5 (MANE Select); coding-DNA position 23, A replaced by G.
Protein change: p.Gln8Arg; replaces glutamine 8 with arginine.
Molecular consequence: missense variant.
Genome position (GRCh38, 1-based): chr4:39,458,417, T>C on the plus strand (A>G on the coding strand, the complement: RPL9 is on the minus strand). VCF-style: chr4-39458417-T-C. GRCh37 (hg19) VCF-style: chr4-39460037-T-C.
Other names: c.23A>G, p.Gln8Arg (NM_001024921.4); short protein forms Q8R.
Identifiers: ClinVar variation 4705075 (VCV004705075.1).

ClinVar aggregate classification (germline): Uncertain significance (1 of 4 stars; one submission).

Submission:

Labcorp Genetics (formerly Invitae), Labcorp
Classification: Uncertain significance. Last evaluated: 2025-06-30. Review status: criteria provided, single submitter. Criteria: Invitae Variant Classification Sherloc (09022015). Collection method: clinical testing. Allele origin: germline.
Comment: This sequence change replaces glutamine, which is neutral and polar, with arginine, which is basic and polar, at codon 8 of the RPL9 protein (p.Gln8Arg). This variant is not present in population databases (gnomAD no frequency). This variant has not been reported in the literature in individuals affected with RPL9-related conditions. An algorithm developed to predict the effect of missense changes on protein structure and function (PolyPhen-2) suggests that this variant is likely to be tolerated. In summary, the available evidence is currently insufficient to determine the role of this variant in disease. Therefore, it has been classified as a Variant of Uncertain Significance.